The following is an entry in ClinVar:

NM_000393.5(COL5A2):c.2945C>A (p.Pro982His)

Gene: COL5A2 (collagen type V alpha 2 chain; minus strand). Cytogenetic location: 2q32.2.
Variant type: single nucleotide variant.
Coding change: c.2945C>A on transcript NM_000393.5 (MANE Select); coding-DNA position 2945, C replaced by A.
Protein change: p.Pro982His; replaces proline 982 with histidine.
Molecular consequence: missense variant.
Genome position (GRCh38, 1-based): chr2:189,050,663, G>T on the plus strand (C>A on the coding strand, the complement: COL5A2 is on the minus strand). VCF-style: chr2-189050663-G-T. GRCh37 (hg19) VCF-style: chr2-189915389-G-T.
Other names: short protein forms P982H.
Identifiers: ClinVar variation 2084235 (VCV002084235.4), dbSNP rs1366499731, ClinGen allele CA349867192.

ClinVar aggregate classification (germline): Uncertain significance (1 of 4 stars; one submission).

Conditions:
Ehlers-Danlos syndrome, classic type, 1 (EDSCL1). Also called: EHLERS-DANLOS SYNDROME, GRAVIS TYPE; EHLERS-DANLOS SYNDROME, SEVERE CLASSIC TYPE; Ehlers-Danlos syndrome, type 1; EDS I; Ehlers-Danlos Syndrome, Classic Type, COL5A1-Related. Identifiers: MedGen C0268335, MONDO:0019567, OMIM 130000.

gnomAD v4.1: 4 of 1,551,982 alleles (0.00026%); no homozygotes.

Submission:

Labcorp Genetics (formerly Invitae), Labcorp
Classification: Uncertain significance for Ehlers-Danlos syndrome, classic type, 1. Last evaluated: 2022-09-16. Review status: criteria provided, single submitter. Criteria: Invitae Variant Classification Sherloc (09022015). Collection method: clinical testing. Allele origin: germline.
Comment: This sequence change replaces proline, which is neutral and non-polar, with histidine, which is basic and polar, at codon 982 of the COL5A2 protein (p.Pro982His). The frequency data for this variant in the population databases is considered unreliable, as metrics indicate poor data quality at this position in the gnomAD database. This variant has not been reported in the literature in individuals affected with COL5A2-related conditions. Advanced modeling of protein sequence and biophysical properties (such as structural, functional, and spatial information, amino acid conservation, physicochemical variation, residue mobility, and thermodynamic stability) performed at Invitae indicates that this missense variant is not expected to disrupt COL5A2 protein function. In summary, the available evidence is currently insufficient to determine the role of this variant in disease. Therefore, it has been classified as a Variant of Uncertain Significance.